The following is an entry in ClinVar:

NM_177987.3(TUBB8):c.227_228del (p.Val76fs)

Gene: TUBB8 (tubulin beta 8 class VIII; minus strand). Cytogenetic location: 10p15.3.
Variant type: Microsatellite.
Coding change: c.227_228del on transcript NM_177987.3 (MANE Select); coding-DNA positions 227 to 228, 2 bases deleted (TG; older notation c.227_228delTG).
Protein change: p.Val76fs; shifts the reading frame from valine 76.
Molecular consequence: frameshift variant.
Genome position (GRCh38, 1-based): chr10:48,664-48,665, CA deleted on the plus strand (TG on the coding strand, the reverse complement: TUBB8 is on the minus strand); deleting any 2 consecutive bases within chr10:48,664-48,667 gives the same sequence; the c. name uses the placement nearest the transcript's 3' end. VCF-style (leftmost placement, unchanged base first): chr10-48663-GCA-G. GRCh37 (hg19) VCF-style: chr10-94603-GCA-G.
Other names: c.11_12del, p.Val4fs (NM_001389618.1, NM_001389619.1); c.227_228delTG (NM_177987.3); short protein forms V4fs, V76fs.
Identifiers: ClinVar variation 4845687 (VCV004845687.1).

ClinVar aggregate classification (germline): Likely pathogenic (1 of 4 stars; one submission).

Conditions:
Oocyte maturation defect 2 (OZEMA2). Also called: OOCYTE/ZYGOTE/EMBRYO MATURATION ARREST 2. Identifiers: MedGen C4225210, MONDO:0021573, OMIM 616780.

Submission:

First Genomix Gene Laboratory, Genetic Diagnostics Department
Classification: Likely pathogenic for Oocyte maturation defect 2. Last evaluated: 2025-01-16. Review status: criteria provided, single submitter. Criteria: ACMG Guidelines, 2015. Collection method: clinical testing. Allele origin: germline. Inheritance: Autosomal recessive inheritance. Affected: no. Observed: 1 variant allele.